The following is an entry in ClinVar:

NM_003193.5(TBCE):c.1438C>T (p.Arg480Cys)

Genes: B3GALNT2 (beta-1,3-N-acetylgalactosaminyltransferase 2; minus strand), TBCE (tubulin folding cofactor E; plus strand). Cytogenetic location: 1q42.3.
Variant type: single nucleotide variant.
Coding change: c.1438C>T on transcript NM_003193.5 (MANE Select); coding-DNA position 1438, C replaced by T.
Protein change: p.Arg480Cys; replaces arginine 480 with cysteine.
Molecular consequence: missense variant. On other transcripts: 3 prime UTR variant (1).
Genome position (GRCh38, 1-based): chr1:235,448,387, C>T. VCF-style: chr1-235448387-C-T. GRCh37 (hg19) VCF-style: chr1-235611702-C-T.
Other names: c.*1819G>A (NM_152490.5); c.1438C>T, p.Arg480Cys (NM_001079515.3); c.1591C>T, p.Arg531Cys (NM_001287801.2); c.1099C>T, p.Arg367Cys (NM_001287802.2); short protein forms R367C, R480C, R531C.
Identifiers: ClinVar variation 2187208 (VCV002187208.1), dbSNP rs138749985, ClinGen allele CA1464482.

ClinVar aggregate classification (germline): Uncertain significance (1 of 4 stars; one submission).

Allele frequency attached by ClinVar (database versions not stated): ExAC 0.00001; gnomAD exomes 0.00001; gnomAD 0.00002; TOPMed 0.00002; ESP Exome Variant Server 0.00008.
gnomAD v4.1: 10 of 1,614,008 alleles (0.00062%); highest among the groups gnomAD compares: East Asian, 0.0045%; no homozygotes.

Submission:

Labcorp Genetics (formerly Invitae), Labcorp
Classification: Uncertain significance. Last evaluated: 2022-06-04. Review status: criteria provided, single submitter. Criteria: Invitae Variant Classification Sherloc (09022015). Collection method: clinical testing. Allele origin: germline.
Comment: This sequence change replaces arginine, which is basic and polar, with cysteine, which is neutral and slightly polar, at codon 480 of the TBCE protein (p.Arg480Cys). This variant is present in population databases (rs138749985, gnomAD 0.004%). This variant has not been reported in the literature in individuals affected with TBCE-related conditions. Algorithms developed to predict the effect of missense changes on protein structure and function (SIFT, PolyPhen-2, Align-GVGD) all suggest that this variant is likely to be disruptive. In summary, the available evidence is currently insufficient to determine the role of this variant in disease. Therefore, it has been classified as a Variant of Uncertain Significance.